The following is an entry in ClinVar:

ClinVar aggregate classification (germline): Uncertain significance. Review status: criteria provided, multiple submitters, no conflicts (2 of 4 stars). 3 submissions from 3 submitters: Uncertain significance (3). Last evaluated 2025-08-12.

Conditions:
Hereditary cancer-predisposing syndrome. Also called: Neoplastic Syndromes, Hereditary; Tumor predisposition; Hereditary Cancer Syndrome; Hereditary neoplastic syndrome. Identifiers: Orphanet 140162, MedGen C0027672, MeSH D009386, MONDO:0015356.
Cardiovascular phenotype. Identifiers: MedGen CN230736.

Allele frequency attached by ClinVar (database versions not stated): TOPMed 0.00001; ExAC 0.00002; gnomAD exomes 0.00002 and 0.00003; gnomAD 0.00003.
gnomAD v4.1: 29 of 1,601,826 alleles (0.0018%); highest among the groups gnomAD compares: Middle Eastern, 0.08%; no homozygotes.

Submissions (3):

Ambry Genetics
Classification: Uncertain significance for Cardiovascular phenotype; Hereditary cancer-predisposing syndrome. Last evaluated: 2025-08-12. Review status: criteria provided, single submitter. Criteria: Ambry Variant Classification Scheme 2023. Collection method: clinical testing. Allele origin: germline.

Labcorp Genetics (formerly Invitae), Labcorp
Classification: Uncertain significance. Last evaluated: 2025-01-30. Review status: criteria provided, single submitter. Criteria: Invitae Variant Classification Sherloc (09022015). Collection method: clinical testing. Allele origin: germline.
Comment: This sequence change replaces arginine, which is basic and polar, with tryptophan, which is neutral and slightly polar, at codon 275 of the LZTR1 protein (p.Arg275Trp). This variant is present in population databases (rs758651123, gnomAD 0.009%). This variant has not been reported in the literature in individuals affected with LZTR1-related conditions. ClinVar contains an entry for this variant (Variation ID: 1002528). Invitae Evidence Modeling of protein sequence and biophysical properties (such as structural, functional, and spatial information, amino acid conservation, physicochemical variation, residue mobility, and thermodynamic stability) indicates that this missense variant is not expected to disrupt LZTR1 protein function with a negative predictive value of 80%. In summary, the available evidence is currently insufficient to determine the role of this variant in disease. Therefore, it has been classified as a Variant of Uncertain Significance.

GeneDx
Classification: Uncertain significance. Last evaluated: 2023-02-15. Review status: criteria provided, single submitter. Criteria: GeneDx Variant Classification Process June 2021. Collection method: clinical testing. Allele origin: germline. Affected: yes.
Comment: In silico analysis supports that this missense variant has a deleterious effect on protein structure/function; Has not been previously published as pathogenic or benign to our knowledge; This variant is associated with the following publications: (PMID: 29760388)

NM_006767.4(LZTR1):c.823C>T (p.Arg275Trp)

Gene: LZTR1 (leucine zipper like post translational regulator 1; plus strand). Cytogenetic location: 22q11.21.
Variant type: single nucleotide variant.
Coding change: c.823C>T on transcript NM_006767.4 (MANE Select); coding-DNA position 823, C replaced by T.
Protein change: p.Arg275Trp; replaces arginine 275 with tryptophan.
Molecular consequence: missense variant.
Genome position (GRCh38, 1-based): chr22:20,991,659, C>T. VCF-style: chr22-20991659-C-T. GRCh37 (hg19) VCF-style: chr22-21345948-C-T.
Other names: short protein forms R275W.
Identifiers: ClinVar variation 1002528 (VCV001002528.13), dbSNP rs758651123, ClinGen allele CA10118645.